The following is an entry in ClinVar:

ClinVar aggregate classification (germline): Likely benign (0 of 4 stars; one submission).

Conditions:
IFT172-related disorder. Also called: IFT172-related disorders; IFT172-related condition.

Submission:

PreventionGenetics, part of Exact Sciences
Classification: Likely benign for IFT172-related condition. Last evaluated: 2023-09-15. Review status: no assertion criteria provided. Collection method: clinical testing. Allele origin: germline.
Comment: This variant is classified as likely benign based on ACMG/AMP sequence variant interpretation guidelines (Richards et al. 2015 PMID: 25741868, with internal and published modifications).

NM_015662.3(IFT172):c.2023-10T>A

Gene: IFT172 (intraflagellar transport 172; minus strand). Cytogenetic location: 2p23.3.
Variant type: single nucleotide variant.
Coding change: c.2023-10T>A on transcript NM_015662.3 (MANE Select); 10 bases into the intron before coding-DNA position 2023, T replaced by A.
Molecular consequence: intron variant.
Genome position (GRCh38, 1-based): chr2:27,462,803, A>T on the plus strand (T>A on the coding strand, the complement: IFT172 is on the minus strand). VCF-style: chr2-27462803-A-T. GRCh37 (hg19) VCF-style: chr2-27685670-A-T.
Other names: c.1957-10T>A (NM_001410739.1).
Identifiers: ClinVar variation 3349846 (VCV003349846.1).